The following is an entry in ClinVar:

NM_000441.2(SLC26A4):c.404A>C (p.His135Pro)

Gene: SLC26A4 (solute carrier family 26 member 4; plus strand). Cytogenetic location: 7q22.3.
Variant type: single nucleotide variant.
Coding change: c.404A>C on transcript NM_000441.2 (MANE Select); coding-DNA position 404, A replaced by C.
Protein change: p.His135Pro; replaces histidine 135 with proline.
Molecular consequence: missense variant.
Genome position (GRCh38, 1-based): chr7:107,672,237, A>C. VCF-style: chr7-107672237-A-C. GRCh37 (hg19) VCF-style: chr7-107312682-A-C.
Other names: short protein forms H135P.
Identifiers: ClinVar variation 3601774 (VCV003601774.1).
Genomic context (GRCh38, chr7:107,672,237, plus strand): 5'-ATGGTCTCTACTCTGCTTTTTTCCCTATCCTGACATACTTTATCTTTGGAACATCAAGAC[A>C]TATCTCAGTTGGTAATTATAAGTATATTTTACAATTATATTTGCTCATGTTTAAAGTGTT-3'
Protein context (NP_000432.1, residues 125-145): LTYFIFGTSR[His135Pro]ISVGPFPVVS

ClinVar aggregate classification (germline): Likely pathogenic (1 of 4 stars; one submission).

Conditions:
Autosomal recessive nonsyndromic hearing loss 4 (DFNB4). Also called: Deafness, autosomal recessive 4; FOXI1-Related Pendred Syndrome; KCNJ10-Related Pendred Syndrome; DEAFNESS, AUTOSOMAL RECESSIVE 4, WITH ENLARGED VESTIBULAR AQUEDUCT, DIGENIC; NEUROSENSORY NONSYNDROMIC RECESSIVE DEAFNESS 4; Nonsyndromic enlarged vestibular aqueduct (NSEVA). Identifiers: Orphanet 90636, MedGen C3538946, MONDO:0010933, OMIM 600791.

Submission:

Institute of Rare Diseases, West China Hospital, Sichuan University
Classification: Likely pathogenic for Autosomal recessive nonsyndromic hearing loss 4. Last evaluated: 2025-01-09. Review status: criteria provided, single submitter. Criteria: ClinGen HL ACMG Specifications v1. Collection method: research. Allele origin: germline. Affected: yes.
Comment: PM3;PM5;PM2_Supporting;PP3